The following is an entry in ClinVar:

NM_004360.5(CDH1):c.468G>C (p.Trp156Cys)

Gene: CDH1 (cadherin 1; plus strand). Cytogenetic location: 16q22.1.
Variant type: single nucleotide variant.
Coding change: c.468G>C on transcript NM_004360.5 (MANE Select); coding-DNA position 468, G replaced by C.
Protein change: p.Trp156Cys; replaces tryptophan 156 with cysteine.
Molecular consequence: missense variant. On other transcripts: 5 prime UTR variant (2).
Genome position (GRCh38, 1-based): chr16:68,808,504, G>C. VCF-style: chr16-68808504-G-C. GRCh37 (hg19) VCF-style: chr16-68842407-G-C.
Other names: c.468G>C, p.Trp156Cys (NM_001317184.2); c.-1148G>C (NM_001317185.2); c.-1352G>C (NM_001317186.2); short protein forms W156C.
Identifiers: ClinVar variation 4282383 (VCV004282383.1).
Genomic context (GRCh38, chr16:68,808,504, plus strand): 5'-AGCAGAATTGCTCACATTTCCCAACTCCTCTCCTGGCCTCAGAAGACAGAAGAGAGACTG[G>C]GTTATTCCTCCCATCAGCTGCCCAGAAAATGAAAAAGGCCCATTTCCTAAAAACCTGGTT-3'
Protein context (NP_004351.1, residues 146-166): SPGLRRQKRD[Trp156Cys]VIPPISCPEN

ClinVar aggregate classification (germline): Likely pathogenic (1 of 4 stars; one submission).

Submission:

GeneDx
Classification: Likely pathogenic. Last evaluated: 2025-04-17. Review status: criteria provided, single submitter. Criteria: GeneDx Variant Classification Process June 2021. Collection method: clinical testing. Allele origin: germline. Affected: yes.
Comment: In silico analysis supports that this missense variant has a deleterious effect on protein structure/function; Not observed at significant frequency in large population cohorts (gnomAD); This variant is associated with the following publications: (PMID: 15235021, 22850631, 31638429)